The following is an entry in ClinVar:

NM_024079.5(ALG8):c.1464del (p.Phe489fs)

Gene: ALG8 (ALG8 alpha-1,3-glucosyltransferase; minus strand). Cytogenetic location: 11q14.1.
Variant type: Deletion.
Coding change: c.1464del on transcript NM_024079.5 (MANE Select); coding-DNA position 1464, one base deleted (C; older notation c.1464delC).
Protein change: p.Phe489fs; shifts the reading frame from phenylalanine 489.
Molecular consequence: frameshift variant. On other transcripts: 3 prime UTR variant (8), non-coding transcript variant (2).
Genome position (GRCh38, 1-based): chr11:78,101,081, G deleted on the plus strand (C on the coding strand, the reverse complement: ALG8 is on the minus strand); the first of 4 consecutive G bases (chr11:78,101,081-78,101,084); deleting any one gives the same sequence. VCF-style (leftmost placement, unchanged base first): chr11-78101080-AG-A. GRCh37 (hg19) VCF-style: chr11-77812126-AG-A.
Other names: c.*135del (NM_001007027.3, NM_001425236.1, NM_001425237.1 and 1 more transcripts); c.1467del, p.Phe490fs (NM_001425219.1); c.1449del, p.Phe484fs (NM_001425220.1); c.1389del, p.Phe464fs (NM_001425221.1); c.1488del, p.Phe497fs (NM_001425222.1); c.1458del, p.Phe487fs (NM_001425223.1); c.1557del, p.Phe520fs (NM_001425224.1); c.1512del, p.Phe505fs (NM_001425225.1); and 14 more; short protein forms F304fs, F317fs, F325fs, F361fs, F380fs, F401fs, F402fs, F422fs.
Identifiers: ClinVar variation 3601993 (VCV003601993.1).

ClinVar aggregate classification (germline): Uncertain significance (1 of 4 stars; one submission).

Conditions:
Polycystic liver disease 3 with or without kidney cysts. Identifiers: MedGen C4693472, MONDO:0054743, OMIM 617874.

Submission:

MVZ Medizinische Genetik Mainz
Classification: Uncertain significance for Polycystic liver disease 3 with or without kidney cysts. Last evaluated: 2025-01-08. Review status: criteria provided, single submitter. Criteria: UK Practice Guidelines For Variant Classification V4 01 2020. Collection method: clinical testing. Allele origin: germline. Inheritance: Autosomal dominant inheritance. Affected: yes. Observed: 1 variant allele.
Comment: ACMG Criteria: PVS1_STR,PM2_SUP